The following is an entry in ClinVar:

ClinVar aggregate classification (germline): Uncertain significance (1 of 4 stars; one submission).

Conditions:
Rubinstein-Taybi syndrome due to EP300 haploinsufficiency. Also called: RUBINSTEIN-TAYBI SYNDROME 2; EP300-Related Rubinstein-Taybi Syndrome. Identifiers: Orphanet 353284, Orphanet 783, MedGen C3150941, MONDO:0013364, OMIM 613684.

Submission:

Labcorp Genetics (formerly Invitae), Labcorp
Classification: Uncertain significance for Rubinstein-Taybi syndrome due to EP300 haploinsufficiency. Last evaluated: 2023-07-03. Review status: criteria provided, single submitter. Criteria: Invitae Variant Classification Sherloc (09022015). Collection method: clinical testing. Allele origin: germline.
Comment: Advanced modeling of protein sequence and biophysical properties (such as structural, functional, and spatial information, amino acid conservation, physicochemical variation, residue mobility, and thermodynamic stability) performed at Invitae indicates that this missense variant is not expected to disrupt EP300 protein function. This sequence change replaces proline, which is neutral and non-polar, with serine, which is neutral and polar, at codon 555 of the EP300 protein (p.Pro555Ser). This variant is not present in population databases (gnomAD no frequency). This variant has not been reported in the literature in individuals affected with EP300-related conditions. Algorithms developed to predict the effect of sequence changes on RNA splicing suggest that this variant may create or strengthen a splice site. In summary, the available evidence is currently insufficient to determine the role of this variant in disease. Therefore, it has been classified as a Variant of Uncertain Significance.

NM_001429.4(EP300):c.1663C>T (p.Pro555Ser)

Gene: EP300 (EP300 lysine acetyltransferase; plus strand). Cytogenetic location: 22q13.2.
Variant type: single nucleotide variant.
Coding change: c.1663C>T on transcript NM_001429.4 (MANE Select); coding-DNA position 1663, C replaced by T.
Protein change: p.Pro555Ser; replaces proline 555 with serine.
Molecular consequence: missense variant.
Genome position (GRCh38, 1-based): chr22:41,137,693, C>T. VCF-style: chr22-41137693-C-T. GRCh37 (hg19) VCF-style: chr22-41533697-C-T.
Other names: c.1663C>T, p.Pro555Ser (NM_001362843.2); short protein forms P555S.
Identifiers: ClinVar variation 2732911 (VCV002732911.3), dbSNP rs2518141323, ClinGen allele CA411687107.